The following is an entry in ClinVar:

ClinVar aggregate classification (germline): Uncertain significance (1 of 4 stars; one submission).

Conditions:
Tuberous sclerosis 1 (TSC1). Identifiers: Orphanet 805, MedGen C1854465, MONDO:0008612, OMIM 191100.

Submission:

Labcorp Genetics (formerly Invitae), Labcorp
Classification: Uncertain significance for Tuberous sclerosis 1. Last evaluated: 2023-08-16. Review status: criteria provided, single submitter. Criteria: Invitae Variant Classification Sherloc (09022015). Collection method: clinical testing. Allele origin: germline.
Comment: This variant, c.1491_1493dup, results in the insertion of 1 amino acid(s) of the TSC1 protein (p.Val498dup), but otherwise preserves the integrity of the reading frame. This variant is not present in population databases (gnomAD no frequency). This variant has not been reported in the literature in individuals affected with TSC1-related conditions. In summary, the available evidence is currently insufficient to determine the role of this variant in disease. Therefore, it has been classified as a Variant of Uncertain Significance.

NM_000368.5(TSC1):c.1491_1493dup (p.Val498_Pro499insVal)

Gene: TSC1 (TSC complex subunit 1; minus strand). Cytogenetic location: 9q34.13.
Variant type: Duplication.
Coding change: c.1491_1493dup on transcript NM_000368.5 (MANE Select); coding-DNA positions 1491 to 1493, 3 bases duplicated (GGT; older notation c.1491_1493dupGGT).
Protein change: p.Val498_Pro499insVal.
Molecular consequence: inframe insertion. On other transcripts: non-coding transcript variant (5).
Genome position (GRCh38, 1-based): chr9:132,906,085-132,906,087, ACC duplicated on the plus strand (GGT on the coding strand, the reverse complement: TSC1 is on the minus strand); duplicating any 3 consecutive bases within chr9:132,906,085-132,906,089 gives the same sequence; the c. name uses the placement nearest the transcript's 3' end. VCF-style (leftmost placement, unchanged base first): chr9-132906084-A-AACC. GRCh37 (hg19) VCF-style: chr9-135781471-A-AACC.
Other names: c.1488_1490dup, p.Val497_Pro498insVal (NM_001162426.2, NM_001406597.1, NM_001406598.1 and 6 more transcripts); c.1338_1340dup, p.Val447_Pro448insVal (NM_001162427.2, NM_001406610.1); c.1128_1130dup, p.Val377_Pro378insVal (NM_001362177.2, NM_001406614.1, NM_001406615.1 and 5 more transcripts); c.1491_1493dup, p.Val498_Pro499insVal (NM_001406592.1, NM_001406593.1, NM_001406594.1 and 7 more transcripts); c.1335_1337dup, p.Val446_Pro447insVal (NM_001406611.1, NM_001406612.1, NM_001406613.1); c.1125_1127dup, p.Val376_Pro377insVal (NM_001406620.1, NM_001406621.1, NM_001406622.1 and 2 more transcripts); c.540_542dup, p.Val181_Pro182insVal (NM_001406626.1); c.537_539dup, p.Val180_Pro181insVal (NM_001406627.1, NM_001406628.1); and 1 more.
Identifiers: ClinVar variation 2752863 (VCV002752863.3), dbSNP rs2538745498, ClinGen allele CA2697558121.